The following is an entry in ClinVar:

ClinVar aggregate classification (germline): Uncertain significance (1 of 4 stars; one submission).

Conditions:
Familial adenomatous polyposis 2. Also called: MUTYH Polyposis; COLORECTAL ADENOMATOUS POLYPOSIS, AUTOSOMAL RECESSIVE; ADENOMAS, MULTIPLE COLORECTAL, AUTOSOMAL RECESSIVE; MUTYH-associated polyposis; MUTYH-related attenuated familial adenomatous polyposis; Adenomas, multiple colorectal. Identifiers: Orphanet 220460, Orphanet 247798, MedGen C3272841, MONDO:0012041, OMIM 608456.

gnomAD v4.1: 3 of 1,614,228 alleles (0.00019%); highest among the groups gnomAD compares: Non-Finnish European, 0.00025%; no homozygotes.

Submission:

Labcorp Genetics (formerly Invitae), Labcorp
Classification: Uncertain significance for Familial adenomatous polyposis 2. Last evaluated: 2017-10-28. Review status: criteria provided, single submitter. Criteria: Invitae Variant Classification Sherloc (09022015). Collection method: clinical testing. Allele origin: germline.
Comment: This variant has not been reported in the literature in individuals with MUTYH-related disease. This variant is not present in population databases (ExAC no frequency). This sequence change replaces glutamic acid with glutamine at codon 169 of the MUTYH protein (p.Glu169Gln). The glutamic acid residue is highly conserved and there is a small physicochemical difference between glutamic acid and glutamine. Algorithms developed to predict the effect of missense changes on protein structure and function do not agree on the potential impact of this missense change (SIFT: "Tolerated"; PolyPhen-2: "Possibly Damaging"; Align-GVGD: "Class C0"). In summary, the available evidence is currently insufficient to determine the role of this variant in disease. Therefore, it has been classified as a Variant of Uncertain Significance. Algorithms developed to predict the effect of sequence changes on RNA splicing suggest that this variant may disrupt the consensus splice site, but this prediction has not been confirmed by published transcriptional studies.

NM_001048174.2(MUTYH):c.421G>C (p.Glu141Gln)

Gene: MUTYH (mutY DNA glycosylase; minus strand). Cytogenetic location: 1p34.1.
Variant type: single nucleotide variant.
Coding change: c.421G>C on transcript NM_001048174.2 (MANE Select); coding-DNA position 421, G replaced by C.
Protein change: p.Glu141Gln; replaces glutamic acid 141 with glutamine.
Molecular consequence: missense variant. On other transcripts: non-coding transcript variant (2).
Genome position (GRCh38, 1-based): chr1:45,332,834, C>G on the plus strand (G>C on the coding strand, the complement: MUTYH is on the minus strand). VCF-style: chr1-45332834-C-G. GRCh37 (hg19) VCF-style: chr1-45798506-C-G.
Other names: c.421G>C, p.Glu141Gln (NM_001048171.2, NM_001048173.2, NM_001293195.2); c.424G>C, p.Glu142Gln (NM_001048172.2); c.505G>C, p.Glu169Gln (NM_001128425.2); c.466G>C, p.Glu156Gln (NM_001293190.2); c.454G>C, p.Glu152Gln (NM_001293191.2); c.145G>C, p.Glu49Gln (NM_001293192.2, NM_001293196.2); c.76G>C, p.Glu26Gln (NM_001350650.2, NM_001350651.2); c.496G>C, p.Glu166Gln (NM_012222.3); short protein forms E169Q, E156Q, E49Q, E142Q, E152Q, E166Q, E141Q, E26Q.
Identifiers: ClinVar variation 533313 (VCV000533313.8), dbSNP rs1553129083, ClinGen allele CA340135867.